The following is an entry in ClinVar:

NM_152419.3(HGSNAT):c.1465-473T>C

Gene: HGSNAT (heparan-alpha-glucosaminide N-acetyltransferase; plus strand). Cytogenetic location: 8p11.21.
Variant type: single nucleotide variant.
Coding change: c.1465-473T>C on transcript NM_152419.3 (MANE Select); 473 bases into the intron before coding-DNA position 1465, T replaced by C.
Molecular consequence: intron variant. On other transcripts: synonymous variant (1).
Genome position (GRCh38, 1-based): chr8:43,196,475, T>C. VCF-style: chr8-43196475-T-C. GRCh37 (hg19) VCF-style: chr8-43051618-T-C.
Other names: c.1510T>C, p.Leu504= (NM_001363227.2); c.601-473T>C (NM_001363229.2); c.1273-473T>C (NM_001363228.2).
Identifiers: ClinVar variation 3048483 (VCV003048483.2), dbSNP rs541973128, ClinGen allele CA4736897.

ClinVar aggregate classification (germline): Likely benign (0 of 4 stars; one submission).

Conditions:
HGSNAT-related disorder. Also called: HGSNAT-related condition.

Allele frequency attached by ClinVar (database versions not stated): gnomAD 0.00059; TOPMed 0.00068; gnomAD exomes 0.00080.
gnomAD v4.1: 993 of 1,289,490 alleles (0.077%); highest among the groups gnomAD compares: Non-Finnish European, 0.093%; 1 homozygote.

Submission:

PreventionGenetics, part of Exact Sciences
Classification: Likely benign for HGSNAT-related condition. Last evaluated: 2024-08-24. Review status: no assertion criteria provided. Collection method: clinical testing. Allele origin: germline.
Comment: This variant is classified as likely benign based on ACMG/AMP sequence variant interpretation guidelines (Richards et al. 2015 PMID: 25741868, with internal and published modifications).